The following is an entry in ClinVar:

ClinVar aggregate classification (germline): Benign (3 of 4 stars; one submission).

Conditions:
Breast-ovarian cancer, familial, susceptibility to, 2 (BROVCA2). Also called: BRCA2 Hereditary Breast and Ovarian Cancer. Identifiers: Orphanet 145, MedGen C2675520, MONDO:0012933, OMIM 612555. Disease mechanism: loss of function.

Allele frequency attached by ClinVar (database versions not stated): gnomAD 0.00003 and 0.00007; TOPMed 0.00005; 1000 Genomes Project 0.00140; 1000 Genomes Project 30x 0.00141.
gnomAD v4.1: 11 of 152,260 alleles (0.0072%); highest among the groups gnomAD compares: Admixed American, 0.059%; 1 homozygote.

Submission:

Evidence-based Network for the Interpretation of Germline Mutant Alleles (ENIGMA)
Classification: Benign for Breast-ovarian cancer, familial, susceptibility to, 2. Last evaluated: 2016-09-28. Review status: reviewed by expert panel. Criteria: ENIGMA BRCA1/2 Classification Criteria (2015). Collection method: curation. Allele origin: germline.
Comment: Class 1 not pathogenic based on frequency >1% in an outbred sampleset. Frequency 0.0101 (Admixed American/Latino), derived from 1000 genomes (2013-05-02).

NM_000059.4(BRCA2):c.9257-6901C>T

Gene: BRCA2 (BRCA2 DNA repair associated; plus strand). Cytogenetic location: 13q13.1.
Variant type: single nucleotide variant.
Coding change: c.9257-6901C>T on transcript NM_000059.4 (MANE Select); 6901 bases into the intron before coding-DNA position 9257, C replaced by T.
Molecular consequence: intron variant.
Genome position (GRCh38, 1-based): chr13:32,387,788, C>T. VCF-style: chr13-32387788-C-T. GRCh37 (hg19) VCF-style: chr13-32961925-C-T.
Identifiers: ClinVar variation 264903 (VCV000264903.1), dbSNP rs571896349, ClinGen allele CA10588166.